The following is an entry in ClinVar:

ClinVar aggregate classification (germline): Benign/Likely benign. Review status: criteria provided, multiple submitters, no conflicts (2 of 4 stars). 7 submissions from 7 submitters: Benign (1); Likely benign (6). Last evaluated 2026-02-02.

Conditions:
Jeune thoracic dystrophy. Also called: Jeune syndrome; Infantile thoracic dystrophy; Thoracic pelvic phalangeal dystrophy; Jeune's syndrome; Chondroectodermal dysplasia-like syndrome; Short-rib thoracic dysplasia. Identifiers: Orphanet 474, MedGen C0265275, MONDO:0018770.
Asphyxiating thoracic dystrophy 2 (SRTD2). Also called: SHORT-RIB THORACIC DYSPLASIA 2 WITH OR WITHOUT POLYDACTYLY; SHORT-RIB THORACIC DYSPLASIA 2 WITH POLYDACTYLY; SHORT-RIB THORACIC DYSPLASIA 2 WITHOUT POLYDACTYLY. Identifiers: Orphanet 474, MedGen C1970005, MONDO:0012644, OMIM 611263.

Allele frequency attached by ClinVar (database versions not stated): gnomAD exomes 0.00023 and 0.00062; ExAC 0.00074; 1000 Genomes Project 0.00160; 1000 Genomes Project 30x 0.00172; gnomAD 0.00222 and 0.00241; TOPMed 0.00276; ESP Exome Variant Server 0.00284.
gnomAD v4.1: 702 of 1,613,566 alleles (0.044%); highest among the groups gnomAD compares: African/African-American, 0.78%; 1 homozygote.

Submissions (7):

Labcorp Genetics (formerly Invitae), Labcorp
Classification: Likely benign for Jeune thoracic dystrophy. Last evaluated: 2026-02-02. Review status: criteria provided, single submitter. Criteria: Invitae Variant Classification Sherloc (09022015). Collection method: clinical testing. Allele origin: germline.

Blueprint Genetics
Classification: Likely benign. Last evaluated: 2024-06-11. Review status: criteria provided, single submitter. Criteria: ACMG Guidelines, 2015. Collection method: clinical testing. Allele origin: germline.

ARUP Laboratories, Molecular Genetics and Genomics, ARUP Laboratories
Classification: Likely benign for Asphyxiating thoracic dystrophy 2. Last evaluated: 2023-11-06. Review status: criteria provided, single submitter. Criteria: ARUP Molecular Germline Variant Investigation Process 2024. Collection method: clinical testing. Allele origin: germline.

Illumina Laboratory Services, Illumina
Classification: Likely benign for Asphyxiating thoracic dystrophy 2. Last evaluated: 2018-01-13. Review status: criteria provided, single submitter. Criteria: ICSL Variant Classification Criteria 13 December 2019. Collection method: clinical testing. Allele origin: germline.
Comment: This variant was observed in the ICSL laboratory as part of a predisposition screen in an ostensibly healthy population. It had not been previously curated by ICSL or reported in the Human Gene Mutation Database (HGMD: prior to June 1st, 2018), and was therefore a candidate for classification through an automated scoring system. Utilizing variant allele frequency, disease prevalence and penetrance estimates, and inheritance mode, an automated score was calculated to assess if this variant is too frequent to cause the disease. Based on the score and internal cut-off values, a variant classified as likely benign is not then subjected to further curation. The score for this variant resulted in a classification of likely benign for this disease.

Genomic Diagnostic Laboratory, Division of Genomic Diagnostics, Children's Hospital of Philadelphia
Classification: Likely benign. Last evaluated: 2015-10-20. Review status: criteria provided, single submitter. Criteria: DGD Variant Analysis Guidelines. Collection method: clinical testing. Allele origin: unknown.

Eurofins Ntd Llc (ga)
Classification: Benign. Last evaluated: 2015-06-01. Review status: criteria provided, single submitter. Criteria: EGL Classification Definitions 2015. Collection method: clinical testing. Allele origin: germline. Observed: 1 variant allele, 1 heterozygote.

Breakthrough Genomics
Classification: Likely benign. Review status: criteria provided, single submitter. Criteria: ACMG Guidelines, 2015. Collection method: not provided. Allele origin: germline. Inheritance: Autosomal recessive inheritance. Affected: yes.

NM_020800.3(IFT80):c.1864G>A (p.Ala622Thr)

Genes: IFT80 (intraflagellar transport 80; minus strand), TRIM59-IFT80 (TRIM59-IFT80 readthrough (NMD candidate); minus strand). Cytogenetic location: 3q25.33.
Variant type: single nucleotide variant.
Coding change: c.1864G>A on transcript NM_020800.3 (MANE Select); coding-DNA position 1864, G replaced by A.
Protein change: p.Ala622Thr; replaces alanine 622 with threonine.
Molecular consequence: missense variant. On other transcripts: non-coding transcript variant (3).
Genome position (GRCh38, 1-based): chr3:160,277,643, C>T on the plus strand (G>A on the coding strand, the complement: IFT80 is on the minus strand). VCF-style: chr3-160277643-C-T. GRCh37 (hg19) VCF-style: chr3-159995431-C-T.
Other names: c.1453G>A, p.Ala485Thr (NM_001190241.2, NM_001190242.2); short protein forms A622T, A485T.
Identifiers: ClinVar variation 194780 (VCV000194780.30), dbSNP rs138161346, ClinGen allele CA201349.